The following is an entry in ClinVar:

ClinVar aggregate classification (germline): Pathogenic/Likely pathogenic. Review status: criteria provided, multiple submitters, no conflicts (2 of 4 stars). 5 submissions from 5 submitters: Pathogenic (4); Likely pathogenic (1). Last evaluated 2025-03-04.

Conditions:
Hereditary cancer-predisposing syndrome. Also called: Neoplastic Syndromes, Hereditary; Tumor predisposition; Hereditary Cancer Syndrome; Hereditary neoplastic syndrome. Identifiers: Orphanet 140162, MedGen C0027672, MeSH D009386, MONDO:0015356.
Hereditary nonpolyposis colorectal neoplasms. Identifiers: MedGen C0009405, MeSH D003123.
Lynch syndrome 5 (LYNCH5). Also called: Colorectal cancer, hereditary nonpolyposis, type 5; Hereditary non-polyposis colorectal cancer, type 5. Identifiers: Orphanet 144, MedGen C1833477, MONDO:0013710, OMIM 614350. Disease mechanism: loss of function.

Submissions (5):

Center for Genomic Medicine, Rigshospitalet, Copenhagen University Hospital
Classification: Likely pathogenic. Last evaluated: 2025-03-04. Review status: criteria provided, single submitter. Criteria: ACMG Guidelines, 2015. Collection method: clinical testing. Allele origin: germline.
Comment: Classification criteria: PVS1, PM2_supporting

Myriad Genetics, Inc.
Classification: Pathogenic for Lynch syndrome 5. Last evaluated: 2023-08-10. Review status: criteria provided, single submitter. Criteria: Myriad Autosomal Dominant, Autosomal Recessive and X-Linked Classification Criteria (2023). Collection method: clinical testing. Allele origin: unknown.
Comment: This variant is considered pathogenic. This variant creates a termination codon and is predicted to result in premature protein truncation.

Color Diagnostics, LLC DBA Color Health
Classification: Pathogenic for Hereditary cancer-predisposing syndrome. Last evaluated: 2022-02-14. Review status: criteria provided, single submitter. Criteria: ACMG Guidelines, 2015. Collection method: clinical testing. Allele origin: germline.
Comment: This variant changes 1 nucleotide in exon 3 of the MSH6 gene, creating a premature translation stop signal. This variant is expected to result in an absent or non-functional protein product. To our knowledge, this variant has not been reported in individuals affected with hereditary cancer in the literature. This variant has not been identified in the general population by the Genome Aggregation Database (gnomAD). Loss of MSH6 function is a known mechanism of disease. Based on the available evidence, this variant is classified as Pathogenic.

Labcorp Genetics (formerly Invitae), Labcorp
Classification: Pathogenic for Hereditary nonpolyposis colorectal neoplasms. Last evaluated: 2021-06-13. Review status: criteria provided, single submitter. Criteria: Invitae Variant Classification Sherloc (09022015). Collection method: clinical testing. Allele origin: germline.
Comment: This sequence change creates a premature translational stop signal (p.Ser154*) in the MSH6 gene. It is expected to result in an absent or disrupted protein product. Loss-of-function variants in MSH6 are known to be pathogenic (PMID: 18269114, 24362816). For these reasons, this variant has been classified as Pathogenic. This variant has not been reported in the literature in individuals with MSH6-related conditions. ClinVar contains an entry for this variant (Variation ID: 525662). This variant is not present in population databases (ExAC no frequency).

Ambry Genetics
Classification: Pathogenic for Hereditary cancer-predisposing syndrome. Last evaluated: 2021-03-19. Review status: criteria provided, single submitter. Criteria: Ambry Variant Classification Scheme 2023. Collection method: clinical testing. Allele origin: germline.
Comment: The p.S154* pathogenic mutation (also known as c.461C>G), located in coding exon 3 of the MSH6 gene, results from a C to G substitution at nucleotide position 461. This changes the amino acid from a serine to a stop codon within coding exon 3. This alteration is expected to result in loss of function by premature protein truncation or nonsense-mediated mRNA decay. As such, this alteration is interpreted as a disease-causing mutation.

Literature cited by the submitters: PubMed 18269114 (cited by Labcorp Genetics (formerly Invitae), Labcorp); PubMed 24362816 (cited by Labcorp Genetics (formerly Invitae), Labcorp).

NM_000179.3(MSH6):c.461C>G (p.Ser154Ter)

Gene: MSH6 (mutS homolog 6; plus strand). Cytogenetic location: 2p16.3.
Variant type: single nucleotide variant.
Coding change: c.461C>G on transcript NM_000179.3 (MANE Select); coding-DNA position 461, C replaced by G.
Protein change: p.Ser154Ter; replaces serine 154 with a stop codon.
Molecular consequence: nonsense. On other transcripts: 5 prime UTR variant (1), intron variant (2).
Genome position (GRCh38, 1-based): chr2:47,795,897, C>G. VCF-style: chr2-47795897-C-G. GRCh37 (hg19) VCF-style: chr2-48023036-C-G.
Other names: c.-442C>G (NM_001281494.2); c.-279-2714C>G (NM_001281493.2); c.238-2714C>G (NM_001281492.2); short protein forms S154*.
Identifiers: ClinVar variation 525662 (VCV000525662.14), dbSNP rs1553411391, ClinGen allele CA346738562.